The following is an entry in ClinVar:

ClinVar aggregate classification (germline): Uncertain significance (1 of 4 stars; one submission).

gnomAD v4.1: 8 of 1,613,052 alleles (0.0005%); highest among the groups gnomAD compares: Non-Finnish European, 0.00059%; no homozygotes.

Submission:

CeGaT Center for Human Genetics Tuebingen
Classification: Uncertain significance. Last evaluated: 2023-09-01. Review status: criteria provided, single submitter. Criteria: CeGaT Center For Human Genetics Tuebingen Variant Classification Criteria Version 2. Collection method: clinical testing. Allele origin: germline. Affected: yes. Observed: 1 variant allele.
Comment: SEPTIN9: PM2, BP4

NM_006640.5(SEPTIN9):c.13C>G (p.Arg5Gly)

Gene: SEPTIN9 (septin 9; plus strand). Cytogenetic location: 17q25.3.
Variant type: single nucleotide variant.
Coding change: c.13C>G on transcript NM_006640.5 (MANE Plus Clinical); coding-DNA position 13, C replaced by G.
Protein change: p.Arg5Gly; replaces arginine 5 with glycine.
Molecular consequence: missense variant. On other transcripts: intron variant (3).
Genome position (GRCh38, 1-based): chr17:77,320,339, C>G. VCF-style: chr17-77320339-C-G. GRCh37 (hg19) VCF-style: chr17-75316421-C-G.
Other names: c.76+13142C>G (NM_001113491.2); c.19+38785C>G (NM_001293695.2); c.-417+13142C>G (NM_001113492.2); short protein forms R5G.
Identifiers: ClinVar variation 2648328 (VCV002648328.24), dbSNP rs370646966, ClinGen allele CA294669642.